The following is an entry in ClinVar:

ClinVar aggregate classification (germline): Uncertain significance. Review status: criteria provided, multiple submitters, no conflicts (2 of 4 stars). 2 submissions from 2 submitters: Uncertain significance (2). Last evaluated 2023-01-20.

Conditions:
Hypertrophic cardiomyopathy. Also called: HYPERTROPHIC MYOCARDIOPATHY. Identifiers: Orphanet 217569, MedGen C0007194, MeSH D002312, MONDO:0005045, HP:0001639.

Allele frequency attached by ClinVar (database versions not stated): gnomAD exomes below 0.00001; TOPMed 0.00002; 1000 Genomes Project 30x 0.00016; 1000 Genomes Project 0.00020.
gnomAD v4.1: 8 of 1,607,542 alleles (0.0005%); highest among the groups gnomAD compares: South Asian, 0.0022%; no homozygotes.

Submissions (2):

Labcorp Genetics (formerly Invitae), Labcorp
Classification: Uncertain significance for Hypertrophic cardiomyopathy. Last evaluated: 2023-01-20. Review status: criteria provided, single submitter. Criteria: Invitae Variant Classification Sherloc (09022015). Collection method: clinical testing. Allele origin: germline.
Comment: Algorithms developed to predict the effect of missense changes on protein structure and function (SIFT, PolyPhen-2, Align-GVGD) all suggest that this variant is likely to be disruptive. In summary, the available evidence is currently insufficient to determine the role of this variant in disease. Therefore, it has been classified as a Variant of Uncertain Significance. ClinVar contains an entry for this variant (Variation ID: 373521). This variant has not been reported in the literature in individuals affected with MYBPC3-related conditions. This variant is present in population databases (rs370658083, gnomAD 0.003%). This sequence change replaces serine, which is neutral and polar, with arginine, which is basic and polar, at codon 1148 of the MYBPC3 protein (p.Ser1148Arg).

GeneDx
Classification: Uncertain significance. Last evaluated: 2016-11-28. Review status: criteria provided, single submitter. Criteria: GeneDx Variant Classification (06012015). Collection method: clinical testing. Allele origin: germline. Affected: yes.
Comment: The S1148R variant of uncertain significance in the MYBPC3 gene has not been published as a pathogenic or benign variant to our knowledge. This variant was not observed in approximately 6,100 individuals of European and African American ancestry in the NHLBI Exome Sequencing Project or with any significant frequency in the Exome Aggregation Consortium. The S1148R variant is a semi-conservative amino acid substitution, which may impact secondary protein structure as these residues differ in some properties. This substitution also occurs at a position that is conserved across species. In silico analysis predicts this variant is probably damaging to the protein structure/function. Therefore, additional evidence is needed to determine whether this variant is pathogenic or benign.

NM_000256.3(MYBPC3):c.3442A>C (p.Ser1148Arg)

Gene: MYBPC3 (myosin binding protein C3; minus strand). Cytogenetic location: 11p11.2.
Variant type: single nucleotide variant.
Coding change: c.3442A>C on transcript NM_000256.3 (MANE Select); coding-DNA position 3442, A replaced by C.
Protein change: p.Ser1148Arg; replaces serine 1148 with arginine.
Molecular consequence: missense variant.
Genome position (GRCh38, 1-based): chr11:47,332,862, T>G on the plus strand (A>C on the coding strand, the complement: MYBPC3 is on the minus strand). VCF-style: chr11-47332862-T-G. GRCh37 (hg19) VCF-style: chr11-47354413-T-G.
Other names: c.3442A>C, p.Ser1148Arg (LRG_386t1); short protein forms S1148R.
Identifiers: ClinVar variation 373521 (VCV000373521.2), dbSNP rs370658083, ClinGen allele CA079367.
Genomic context (GRCh38, chr11:47,332,862, plus strand): 5'-AGGGTACAGCACCTGGTCTGGGGATAAAGACGGGCTCCTTGGTGGTGGCCGCTCTGTCAC[T>G]AAAGCCAACCATATTCTGGCTGAAGACGCGGAAGTAGTAGCCATTGCCAATGATGAGCTC-3'
Protein context (NP_000247.2, residues 1138-1158): RVFSQNMVGF[Ser1148Arg]DRAATTKEPV